The following is an entry in ClinVar:

ClinVar aggregate classification (germline): Uncertain significance. Review status: criteria provided, multiple submitters, no conflicts (2 of 4 stars). 2 submissions from 2 submitters: Uncertain significance (2). Last evaluated 2025-10-01.

Allele frequency attached by ClinVar (database versions not stated): gnomAD exomes below 0.00001 and 0.00002; TOPMed 0.00007; gnomAD 0.00008 and 0.00009; ExAC 0.00004; 1000 Genomes Project 0.00040; 1000 Genomes Project 30x 0.00047.
gnomAD v4.1: 17 of 1,599,306 alleles (0.0011%); highest among the groups gnomAD compares: African/African-American, 0.016%; no homozygotes.

Submissions (2):

Ambry Genetics
Classification: Uncertain significance. Last evaluated: 2025-10-01. Review status: criteria provided, single submitter. Criteria: Ambry Variant Classification Scheme 2023. Collection method: clinical testing. Allele origin: germline.

Labcorp Genetics (formerly Invitae), Labcorp
Classification: Uncertain significance. Last evaluated: 2022-02-04. Review status: criteria provided, single submitter. Criteria: Invitae Variant Classification Sherloc (09022015). Collection method: clinical testing. Allele origin: germline.
Comment: In summary, the available evidence is currently insufficient to determine the role of this variant in disease. Therefore, it has been classified as a Variant of Uncertain Significance. Algorithms developed to predict the effect of missense changes on protein structure and function (SIFT, PolyPhen-2, Align-GVGD) all suggest that this variant is likely to be tolerated. This variant has not been reported in the literature in individuals affected with MCM4-related conditions. This variant is present in population databases (rs538726277, gnomAD 0.03%). This sequence change replaces glutamine, which is neutral and polar, with lysine, which is basic and polar, at codon 225 of the MCM4 protein (p.Gln225Lys).

NM_182746.3(MCM4):c.673C>A (p.Gln225Lys)

Gene: MCM4 (minichromosome maintenance complex component 4; plus strand). Cytogenetic location: 8q11.21.
Variant type: single nucleotide variant.
Coding change: c.673C>A on transcript NM_182746.3 (MANE Select); coding-DNA position 673, C replaced by A.
Protein change: p.Gln225Lys; replaces glutamine 225 with lysine.
Molecular consequence: missense variant.
Genome position (GRCh38, 1-based): chr8:47,963,020, C>A. VCF-style: chr8-47963020-C-A. GRCh37 (hg19) VCF-style: chr8-48875580-C-A.
Other names: c.673C>A, p.Gln225Lys (NM_005914.4); c.673C>A (NM_005914.3); short protein forms Q225K.
Identifiers: ClinVar variation 1448646 (VCV001448646.7), dbSNP rs538726277, ClinGen allele CA4742379.